The following is an entry in ClinVar:

ClinVar aggregate classification (germline): Pathogenic (1 of 4 stars; one submission).

Allele frequency attached by ClinVar (database versions not stated): gnomAD exomes below 0.00001; TOPMed 0.00001; ExAC 0.00002; gnomAD 0.00003.
gnomAD v4.1: 11 of 1,613,754 alleles (0.00068%); no homozygotes.

Submission:

Labcorp Genetics (formerly Invitae), Labcorp
Classification: Pathogenic. Last evaluated: 2024-03-23. Review status: criteria provided, single submitter. Criteria: Invitae Variant Classification Sherloc (09022015). Collection method: clinical testing. Allele origin: germline.
Comment: This sequence change creates a premature translational stop signal (p.Gln354*) in the ABCA12 gene. It is expected to result in an absent or disrupted protein product. Loss-of-function variants in ABCA12 are known to be pathogenic (PMID: 20672373). This variant is present in population databases (rs769817025, gnomAD 0.02%). This premature translational stop signal has been observed in individual(s) with harlequin Ichthyosis (PMID: 16902423). For these reasons, this variant has been classified as Pathogenic.

Literature cited by the submitters: PubMed 20672373; PubMed 16902423.

NM_173076.3(ABCA12):c.1060C>T (p.Gln354Ter)

Gene: ABCA12 (ATP binding cassette subfamily A member 12; minus strand). Cytogenetic location: 2q35.
Variant type: single nucleotide variant.
Coding change: c.1060C>T on transcript NM_173076.3 (MANE Select); coding-DNA position 1060, C replaced by T.
Protein change: p.Gln354Ter; replaces glutamine 354 with a stop codon.
Molecular consequence: nonsense. On other transcripts: non-coding transcript variant (1).
Genome position (GRCh38, 1-based): chr2:215,031,822, G>A on the plus strand (C>T on the coding strand, the complement: ABCA12 is on the minus strand). VCF-style: chr2-215031822-G-A. GRCh37 (hg19) VCF-style: chr2-215896546-G-A.
Other names: c.106C>T, p.Gln36Ter (NM_015657.4); short protein forms Q354*, Q36*.
Identifiers: ClinVar variation 2734384 (VCV002734384.3), dbSNP rs769817025, ClinGen allele CA2092357.